The following is an entry in ClinVar:

ClinVar aggregate classification (germline): Uncertain significance. Review status: criteria provided, multiple submitters, no conflicts (2 of 4 stars). 2 submissions from 2 submitters: Uncertain significance (2). Last evaluated 2024-09-28.

Conditions:
Hereditary cancer-predisposing syndrome. Also called: Tumor predisposition; Hereditary Cancer Syndrome; Neoplastic Syndromes, Hereditary; Hereditary neoplastic syndrome. Identifiers: Orphanet 140162, MedGen C0027672, MeSH D009386, MONDO:0015356.
Rhabdoid tumor predisposition syndrome 2 (RTPS2). Identifiers: Orphanet 231108, Orphanet 69077, MedGen C2750074, MONDO:0013224, OMIM 613325.

Submissions (2):

Labcorp Genetics (formerly Invitae), Labcorp
Classification: Uncertain significance for Rhabdoid tumor predisposition syndrome 2. Last evaluated: 2024-09-28. Review status: criteria provided, single submitter. Criteria: Invitae Variant Classification Sherloc (09022015). Collection method: clinical testing. Allele origin: germline.
Comment: This sequence change replaces leucine, which is neutral and non-polar, with valine, which is neutral and non-polar, at codon 1101 of the SMARCA4 protein (p.Leu1101Val). This variant is not present in population databases (gnomAD no frequency). This variant has not been reported in the literature in individuals affected with SMARCA4-related conditions. ClinVar contains an entry for this variant (Variation ID: 823512). Invitae Evidence Modeling of protein sequence and biophysical properties (such as structural, functional, and spatial information, amino acid conservation, physicochemical variation, residue mobility, and thermodynamic stability) has been performed for this missense variant. However, the output from this modeling did not meet the statistical confidence thresholds required to predict the impact of this variant on SMARCA4 protein function. In summary, the available evidence is currently insufficient to determine the role of this variant in disease. Therefore, it has been classified as a Variant of Uncertain Significance.

Ambry Genetics
Classification: Uncertain significance for Hereditary cancer-predisposing syndrome. Last evaluated: 2019-09-23. Review status: criteria provided, single submitter. Criteria: Ambry Variant Classification Scheme 2023. Collection method: clinical testing. Allele origin: germline.
Comment: The p.L1101V variant (also known as c.3301C>G), located in coding exon 23 of the SMARCA4 gene, results from a C to G substitution at nucleotide position 3301. The leucine at codon 1101 is replaced by valine, an amino acid with highly similar properties. In addition, the in silico prediction for this alteration is inconclusive. Since supporting evidence is limited at this time, the clinical significance of this alteration remains unclear.

NM_003072.5(SMARCA4):c.3301C>G (p.Leu1101Val)

Gene: SMARCA4 (SWI/SNF related BAF chromatin remodeling complex subunit ATPase 4; plus strand). Cytogenetic location: 19p13.2.
Variant type: single nucleotide variant.
Coding change: c.3301C>G on transcript NM_003072.5 (MANE Select); coding-DNA position 3301, C replaced by G.
Protein change: p.Leu1101Val; replaces leucine 1101 with valine.
Molecular consequence: missense variant. On other transcripts: non-coding transcript variant (1).
Genome position (GRCh38, 1-based): chr19:11,027,869, C>G. VCF-style: chr19-11027869-C-G. GRCh37 (hg19) VCF-style: chr19-11138545-C-G.
Other names: c.3301C>G, p.Leu1101Val (NM_001128844.3, NM_001128845.2, NM_001128846.2 and 4 more transcripts); short protein forms L1101V.
Identifiers: ClinVar variation 823512 (VCV000823512.9), dbSNP rs1600336031, ClinGen allele CA404061592.